The following is an entry in ClinVar:

ClinVar aggregate classification (germline): Uncertain significance. Review status: criteria provided, multiple submitters, no conflicts (2 of 4 stars). 2 submissions from 2 submitters: Uncertain significance (2). Last evaluated 2021-03-19.

Conditions:
Hereditary cancer-predisposing syndrome. Also called: Tumor predisposition; Hereditary Cancer Syndrome; Neoplastic Syndromes, Hereditary; Hereditary neoplastic syndrome. Identifiers: Orphanet 140162, MedGen C0027672, MeSH D009386, MONDO:0015356.

Allele frequency attached by ClinVar (database versions not stated): gnomAD 0.00001.
gnomAD v4.1: 1 of 1,608,528 alleles (0.000062%); highest among the groups gnomAD compares: African/African-American, 0.0013%; no homozygotes.

Submissions (2):

Labcorp Genetics (formerly Invitae), Labcorp
Classification: Uncertain significance for Hereditary cancer-predisposing syndrome. Last evaluated: 2021-03-19. Review status: criteria provided, single submitter. Criteria: Invitae Variant Classification Sherloc (09022015). Collection method: clinical testing. Allele origin: germline.
Comment: In summary, the available evidence is currently insufficient to determine the role of this variant in disease. Therefore, it has been classified as a Variant of Uncertain Significance. Algorithms developed to predict the effect of missense changes on protein structure and function (SIFT, PolyPhen-2, Align-GVGD) all suggest that this variant is likely to be tolerated, but these predictions have not been confirmed by published functional studies and their clinical significance is uncertain. This variant has not been reported in the literature in individuals with RAD50-related conditions. ClinVar contains an entry for this variant (Variation ID: 822661). This variant is not present in population databases (ExAC no frequency). This sequence change replaces valine with alanine at codon 101 of the RAD50 protein (p.Val101Ala). The valine residue is weakly conserved and there is a small physicochemical difference between valine and alanine.

Ambry Genetics
Classification: Uncertain significance for Hereditary cancer-predisposing syndrome. Last evaluated: 2018-10-12. Review status: criteria provided, single submitter. Criteria: Ambry Variant Classification Scheme 2023. Collection method: clinical testing. Allele origin: germline.
Comment: The p.V101A variant (also known as c.302T>C), located in coding exon 3 of the RAD50 gene, results from a T to C substitution at nucleotide position 302. The valine at codon 101 is replaced by alanine, an amino acid with similar properties. This amino acid position is not well conserved in available vertebrate species. In addition, this alteration is predicted to be tolerated by in silico analysis. Since supporting evidence is limited at this time, the clinical significance of this alteration remains unclear.

NM_005732.4(RAD50):c.302T>C (p.Val101Ala)

Gene: RAD50 (RAD50 double strand break repair protein; plus strand). Cytogenetic location: 5q31.1.
Variant type: single nucleotide variant.
Coding change: c.302T>C on transcript NM_005732.4 (MANE Select); coding-DNA position 302, T replaced by C.
Protein change: p.Val101Ala; replaces valine 101 with alanine.
Molecular consequence: missense variant.
Genome position (GRCh38, 1-based): chr5:132,575,865, T>C. VCF-style: chr5-132575865-T-C. GRCh37 (hg19) VCF-style: chr5-131911557-T-C.
Other names: short protein forms V101A.
Identifiers: ClinVar variation 822661 (VCV000822661.13), dbSNP rs1223897876, ClinGen allele CA360930989.
Genomic context (GRCh38, chr5:132,575,865, plus strand): 5'-AGATTCGTCTGCAATTTCGTGATGTCAATGGAGAACTTATAGCTGTGCAAAGATCTATGG[T>C]GTGTACTCAGAAAAGCAAAAAGACAGAATTTAAAACTCTGGAAGGAGTCATTACTAGAAC-3'
Protein context (NP_005723.2, residues 91-111): GELIAVQRSM[Val101Ala]CTQKSKKTEF